The following is an entry in ClinVar:

NM_018685.5(ANLN):c.1906A>G (p.Thr636Ala)

Gene: ANLN (anillin, actin binding protein; plus strand). Cytogenetic location: 7p14.2.
Variant type: single nucleotide variant.
Coding change: c.1906A>G on transcript NM_018685.5 (MANE Select); coding-DNA position 1906, A replaced by G.
Protein change: p.Thr636Ala; replaces threonine 636 with alanine.
Molecular consequence: missense variant.
Genome position (GRCh38, 1-based): chr7:36,420,205, A>G. VCF-style: chr7-36420205-A-G. GRCh37 (hg19) VCF-style: chr7-36459814-A-G.
Other names: c.1795A>G, p.Thr599Ala (NM_001284301.3); c.1792A>G, p.Thr598Ala (NM_001284302.3); short protein forms T599A, T598A, T636A.
Identifiers: ClinVar variation 1037278 (VCV001037278.8), dbSNP rs1035408851, ClinGen allele CA157084039.

ClinVar aggregate classification (germline): Uncertain significance (1 of 4 stars; one submission).

Allele frequency attached by ClinVar (database versions not stated): gnomAD exomes below 0.00001; gnomAD 0.00001.
gnomAD v4.1: 6 of 1,613,914 alleles (0.00037%); highest among the groups gnomAD compares: Non-Finnish European, 0.00051%; no homozygotes.

Submission:

Labcorp Genetics (formerly Invitae), Labcorp
Classification: Uncertain significance. Last evaluated: 2020-08-21. Review status: criteria provided, single submitter. Criteria: Invitae Variant Classification Sherloc (09022015). Collection method: clinical testing. Allele origin: germline.
Comment: In summary, the available evidence is currently insufficient to determine the role of this variant in disease. Therefore, it has been classified as a Variant of Uncertain Significance. Algorithms developed to predict the effect of missense changes on protein structure and function output the following: SIFT: "Tolerated"; PolyPhen-2: "Benign"; Align-GVGD: "Class C0". The alanine amino acid residue is found in multiple mammalian species, suggesting that this missense change does not adversely affect protein function. These predictions have not been confirmed by published functional studies and their clinical significance is uncertain. This variant has not been reported in the literature in individuals with ANLN-related conditions. This variant is not present in population databases (ExAC no frequency). This sequence change replaces threonine with alanine at codon 636 of the ANLN protein (p.Thr636Ala). The threonine residue is weakly conserved and there is a small physicochemical difference between threonine and alanine.